The following is an entry in ClinVar:

NM_002715.4(PPP2CA):c.617G>A (p.Arg206His)

Gene: PPP2CA (protein phosphatase 2 catalytic subunit alpha; minus strand). Cytogenetic location: 5q31.1.
Variant type: single nucleotide variant.
Coding change: c.617G>A on transcript NM_002715.4 (MANE Select); coding-DNA position 617, G replaced by A.
Protein change: p.Arg206His; replaces arginine 206 with histidine.
Molecular consequence: missense variant. On other transcripts: non-coding transcript variant (1).
Genome position (GRCh38, 1-based): chr5:134,200,456, C>T on the plus strand (G>A on the coding strand, the complement: PPP2CA is on the minus strand). VCF-style: chr5-134200456-C-T. GRCh37 (hg19) VCF-style: chr5-133536147-C-T.
Other names: c.422G>A, p.Arg141His (NM_001355019.2); short protein forms R206H, R141H.
Identifiers: ClinVar variation 2767100 (VCV002767100.3), dbSNP rs2481048679, ClinGen allele CA360999299.

ClinVar aggregate classification (germline): Uncertain significance (1 of 4 stars; one submission).

Submission:

Labcorp Genetics (formerly Invitae), Labcorp
Classification: Uncertain significance. Last evaluated: 2023-10-09. Review status: criteria provided, single submitter. Criteria: Invitae Variant Classification Sherloc (09022015). Collection method: clinical testing. Allele origin: germline.
Comment: This sequence change replaces arginine, which is basic and polar, with histidine, which is basic and polar, at codon 206 of the PPP2CA protein (p.Arg206His). This variant is not present in population databases (gnomAD no frequency). This variant has not been reported in the literature in individuals affected with PPP2CA-related conditions. Advanced modeling of protein sequence and biophysical properties (such as structural, functional, and spatial information, amino acid conservation, physicochemical variation, residue mobility, and thermodynamic stability) performed at Invitae indicates that this missense variant is not expected to disrupt PPP2CA protein function. In summary, the available evidence is currently insufficient to determine the role of this variant in disease. Therefore, it has been classified as a Variant of Uncertain Significance.